The following is an entry in ClinVar:

NM_001958.5(EEF1A2):c.1166A>G (p.Asp389Gly)

Gene: EEF1A2 (eukaryotic translation elongation factor 1 alpha 2; minus strand). Cytogenetic location: 20q13.33.
Variant type: single nucleotide variant.
Coding change: c.1166A>G on transcript NM_001958.5 (MANE Select); coding-DNA position 1166, A replaced by G.
Protein change: p.Asp389Gly; replaces aspartic acid 389 with glycine.
Molecular consequence: missense variant.
Genome position (GRCh38, 1-based): chr20:63,489,016, T>C on the plus strand (A>G on the coding strand, the complement: EEF1A2 is on the minus strand). VCF-style: chr20-63489016-T-C. GRCh37 (hg19) VCF-style: chr20-62120369-T-C.
Other names: short protein forms D389G.
Identifiers: ClinVar variation 2652539 (VCV002652539.24), dbSNP rs2516773334, ClinGen allele CA409644424.

ClinVar aggregate classification (germline): Uncertain significance (1 of 4 stars; one submission).

Submission:

CeGaT Center for Human Genetics Tuebingen
Classification: Uncertain significance. Last evaluated: 2023-03-01. Review status: criteria provided, single submitter. Criteria: CeGaT Center For Human Genetics Tuebingen Variant Classification Criteria Version 2. Collection method: clinical testing. Allele origin: germline. Affected: yes. Observed: 1 variant allele.
Comment: EEF1A2: PM2, PP2